The following is an entry in ClinVar:

NM_014989.7(RIMS1):c.3746G>A (p.Arg1249Gln)

Gene: RIMS1 (regulating synaptic membrane exocytosis 1; plus strand). Cytogenetic location: 6q13.
Variant type: single nucleotide variant.
Coding change: c.3746G>A on transcript NM_014989.7 (MANE Select); coding-DNA position 3746, G replaced by A.
Protein change: p.Arg1249Gln; replaces arginine 1249 with glutamine.
Molecular consequence: missense variant.
Genome position (GRCh38, 1-based): chr6:72,291,942, G>A. VCF-style: chr6-72291942-G-A. GRCh37 (hg19) VCF-style: chr6-73001645-G-A.
Other names: c.3746G>A (NM_014989.4); c.1706G>A, p.Arg569Gln (NM_001168407.2, NM_001350422.2); c.1637G>A, p.Arg546Gln (NM_001168408.2, NM_001350414.2, NM_001350430.2 and 2 more transcripts); c.1466G>A, p.Arg489Gln (NM_001168409.2, NM_001350469.2); c.1664G>A, p.Arg555Gln (NM_001168410.2); c.1790G>A, p.Arg597Gln (NM_001350415.2, NM_001350445.2); c.1709G>A, p.Arg570Gln (NM_001350416.2, NM_001350417.2, NM_001350448.2); c.1712G>A, p.Arg571Gln (NM_001350418.2); and 32 more; short protein forms R480Q, R489Q, R495Q, R522Q, R549Q, R597Q, R633Q, R465Q.
Identifiers: ClinVar variation 1516177 (VCV001516177.10), dbSNP rs199933558, ClinGen allele CA140897729.

ClinVar aggregate classification (germline): Uncertain significance. Review status: criteria provided, multiple submitters, no conflicts (2 of 4 stars). 3 submissions from 3 submitters: Uncertain significance (3). Last evaluated 2025-10-23.

Conditions:
RIMS1-related disorder. Also called: RIMS1-related condition.

Allele frequency attached by ClinVar (database versions not stated): gnomAD 0.00001; TOPMed 0.00001; gnomAD exomes 0.00009.
gnomAD v4.1: 126 of 1,557,868 alleles (0.0081%); highest among the groups gnomAD compares: Non-Finnish European, 0.01%; no homozygotes.

Submissions (3):

Ambry Genetics
Classification: Uncertain significance. Last evaluated: 2025-10-23. Review status: criteria provided, single submitter. Criteria: Ambry Variant Classification Scheme 2023. Collection method: clinical testing. Allele origin: germline.

Labcorp Genetics (formerly Invitae), Labcorp
Classification: Uncertain significance. Last evaluated: 2025-04-17. Review status: criteria provided, single submitter. Criteria: Invitae Variant Classification Sherloc (09022015). Collection method: clinical testing. Allele origin: germline.
Comment: This sequence change replaces arginine, which is basic and polar, with glutamine, which is neutral and polar, at codon 1249 of the RIMS1 protein (p.Arg1249Gln). The frequency data for this variant in the population databases is considered unreliable, as metrics indicate poor data quality at this position in the gnomAD database. This variant has not been reported in the literature in individuals affected with RIMS1-related conditions. ClinVar contains an entry for this variant (Variation ID: 1516177). An algorithm developed to predict the effect of missense changes on protein structure and function outputs the following: PolyPhen-2: "Benign". The glutamine amino acid residue is found in multiple mammalian species, which suggests that this missense change does not adversely affect protein function. In summary, the available evidence is currently insufficient to determine the role of this variant in disease. Therefore, it has been classified as a Variant of Uncertain Significance.

Department of Pathology and Laboratory Medicine, Sinai Health System
Classification: Uncertain significance for RIMS1-related disorder. Last evaluated: 2020-08-25. Review status: criteria provided, single submitter. Criteria: ACMG Guidelines, 2015. Collection method: research. Allele origin: germline.